The following is an entry in ClinVar:

NM_000059.4(BRCA2):c.7187del (p.His2395_Leu2396insTer)

Gene: BRCA2 (BRCA2 DNA repair associated; plus strand). Cytogenetic location: 13q13.1.
Variant type: Deletion.
Coding change: c.7187del on transcript NM_000059.4 (MANE Select); coding-DNA position 7187, one base deleted (T; older notation c.7187delT).
Protein change: p.His2395_Leu2396insTer.
Molecular consequence: nonsense. On other transcripts: non-coding transcript variant (1).
Genome position (GRCh38, 1-based): chr13:32,355,040, T deleted; the last of 2 consecutive T bases (chr13:32,355,039-32,355,040); deleting either gives the same sequence. VCF-style (leftmost placement, unchanged base first): chr13-32355038-CT-C. GRCh37 (hg19) VCF-style: chr13-32929175-CT-C.
Other names: c.7091del, p.His2363_Leu2364insTer (NM_001406719.1); c.7187del, p.His2395_Leu2396insTer (NM_001406720.1, NM_001432077.1); c.2255del, p.His751_Leu752insTer (NM_001406721.1); c.770del, p.His256_Leu257insTer (NM_001406722.1).
Identifiers: ClinVar variation 3379273 (VCV003379273.1).
Genomic context (GRCh38, chr13:32,355,038, plus strand): 5'-AGCAGTTTCAGGACATCCATTTTATCAAGTTTCTGCTACAAGAAATGAAAAAATGAGACA[CT>C]TGATTACTACAGGCAGACCAACCAAAGTCTTTGTTCCACCTTTTAAAACTAAATCACATT-3'

ClinVar aggregate classification (germline): Pathogenic (1 of 4 stars; one submission).

Conditions:
Breast-ovarian cancer, familial, susceptibility to, 2 (BROVCA2). Also called: BRCA2 Hereditary Breast and Ovarian Cancer. Identifiers: Orphanet 145, MedGen C2675520, MONDO:0012933, OMIM 612555. Disease mechanism: loss of function.

Submission:

Myriad Genetics, Inc.
Classification: Pathogenic for Breast-ovarian cancer, familial, susceptibility to, 2. Last evaluated: 2024-08-30. Review status: criteria provided, single submitter. Criteria: Myriad Autosomal Dominant, Autosomal Recessive and X-Linked Classification Criteria (2023). Collection method: clinical testing. Allele origin: unknown.
Comment: This variant is considered pathogenic. This variant creates a termination codon and is predicted to result in premature protein truncation.